The following is an entry in ClinVar:

ClinVar aggregate classification (germline): Conflicting classifications of pathogenicity. Review status: criteria provided, conflicting classifications (1 of 4 stars). 2 submissions from 2 submitters: Uncertain significance (1); Benign (1). Last evaluated 2022-02-07.

Conditions:
Ovarian cancer. Also called: OVARIAN CANCER, SOMATIC. Identifiers: Orphanet 213500, MedGen C1140680, MONDO:0008170, OMIM 167000.
Multiple congenital exostosis (EXT). Also called: Multiple exostoses; Multiple osteochondromas; Hereditary multiple exostoses; Hereditary multiple exostosis; Hereditary multiple osteochondromas; MULTIPLE CARTILAGINOUS EXOSTOSES. Identifiers: Orphanet 321, MedGen C0015306, MONDO:0005508, HP:0002762.

Allele frequency attached by ClinVar (database versions not stated): gnomAD exomes below 0.00001; TOPMed below 0.00001; gnomAD 0.00001.
gnomAD v4.1: 5 of 1,613,342 alleles (0.00031%); highest among the groups gnomAD compares: East Asian, 0.011%; no homozygotes.

Submissions (2):

Labcorp Genetics (formerly Invitae), Labcorp
Classification: Uncertain significance for Multiple congenital exostosis. Last evaluated: 2022-02-07. Review status: criteria provided, single submitter. Criteria: Invitae Variant Classification Sherloc (09022015). Collection method: clinical testing. Allele origin: germline.
Comment: In summary, the available evidence is currently insufficient to determine the role of this variant in disease. Therefore, it has been classified as a Variant of Uncertain Significance. Algorithms developed to predict the effect of sequence changes on RNA splicing suggest that this variant may create or strengthen a splice site. Algorithms developed to predict the effect of missense changes on protein structure and function are either unavailable or do not agree on the potential impact of this missense change (SIFT: "Tolerated"; PolyPhen-2: "Possibly Damaging"; Align-GVGD: "Class C0"). This variant has not been reported in the literature in individuals affected with EXT1-related conditions. This variant is present in population databases (no rsID available, gnomAD 0.006%). This sequence change replaces valine, which is neutral and non-polar, with glycine, which is neutral and non-polar, at codon 545 of the EXT1 protein (p.Val545Gly).

Laboratory of Molecular Epidemiology of Birth Defects, West China Second University Hospital, Sichuan University
Classification: Benign for Ovarian cancer. Last evaluated: 2022-01-01. Review status: criteria provided, single submitter. Criteria: ACMG Guidelines, 2015. Collection method: clinical testing. Allele origin: germline. Affected: yes.

NM_000127.3(EXT1):c.1634T>G (p.Val545Gly)

Gene: EXT1 (exostosin glycosyltransferase 1; minus strand). Cytogenetic location: 8q24.11.
Variant type: single nucleotide variant.
Coding change: c.1634T>G on transcript NM_000127.3 (MANE Select); coding-DNA position 1634, T replaced by G.
Protein change: p.Val545Gly; replaces valine 545 with glycine.
Molecular consequence: missense variant.
Genome position (GRCh38, 1-based): chr8:117,812,960, A>C on the plus strand (T>G on the coding strand, the complement: EXT1 is on the minus strand). VCF-style: chr8-117812960-A-C. GRCh37 (hg19) VCF-style: chr8-118825199-A-C.
Other names: c.1634T>G (NM_000127.2); short protein forms V545G.
Identifiers: ClinVar variation 1518782 (VCV001518782.9), dbSNP rs1368926188, ClinGen allele CA371881672.
Genomic context (GRCh38, chr8:117,812,960, plus strand): 5'-TCAAGGCTGAGCACGGCGTCTGTGATGATGTTGTCGTAGGGCAGAAAACGGCTGCTCATA[A>C]CCTGGGAGGAAGTAGAAGTAGGCAGTGGGGAGGGAATGAGGGAAAGAGGTAACTTCAGAG-3'
Protein context (NP_000118.2, residues 535-555): PVVVIEGESK[Val545Gly]MSSRFLPYDN